The following is an entry in ClinVar:

ClinVar aggregate classification (germline): Likely benign. Review status: criteria provided, multiple submitters, no conflicts (2 of 4 stars). 2 submissions from 2 submitters: Likely benign (2). Last evaluated 2026-09-01.

Allele frequency attached by ClinVar (database versions not stated): gnomAD 0.00003; TOPMed 0.00008; gnomAD exomes 0.00020; ExAC 0.00036.
gnomAD v4.1: 128 of 1,613,570 alleles (0.0079%); highest among the groups gnomAD compares: Non-Finnish European, 0.0095%; no homozygotes.

Submissions (2):

CeGaT Center for Human Genetics Tuebingen
Classification: Likely benign. Last evaluated: 2026-09-01. Review status: criteria provided, single submitter. Criteria: CeGaT Center For Human Genetics Tuebingen Variant Classification Criteria Version 2. Collection method: clinical testing. Allele origin: germline. Affected: yes. Observed: 1 variant allele.
Comment: LYN: BP4, BP7

Labcorp Genetics (formerly Invitae), Labcorp
Classification: Likely benign. Last evaluated: 2026-01-26. Review status: criteria provided, single submitter. Criteria: Invitae Variant Classification Sherloc (09022015). Collection method: clinical testing. Allele origin: germline.

NM_002350.4(LYN):c.324A>G (p.Lys108=)

Gene: LYN (LYN proto-oncogene, Src family tyrosine kinase; plus strand). Cytogenetic location: 8q12.1.
Variant type: single nucleotide variant.
Coding change: c.324A>G on transcript NM_002350.4 (MANE Select); coding-DNA position 324, A replaced by G.
Protein change: p.Lys108=; no amino-acid change (lysine 108 retained).
Molecular consequence: synonymous variant.
Genome position (GRCh38, 1-based): chr8:55,950,498, A>G. VCF-style: chr8-55950498-A-G. GRCh37 (hg19) VCF-style: chr8-56863057-A-G.
Other names: c.261A>G, p.Lys87= (NM_001111097.3).
Identifiers: ClinVar variation 1455248 (VCV001455248.9), dbSNP rs776276450, ClinGen allele CA4753992.